The following is an entry in ClinVar:

NM_177438.3(DICER1):c.4966G>C (p.Asp1656His)

Gene: DICER1 (dicer 1, ribonuclease III; minus strand). Cytogenetic location: 14q32.13.
Variant type: single nucleotide variant.
Coding change: c.4966G>C on transcript NM_177438.3 (MANE Select); coding-DNA position 4966, G replaced by C.
Protein change: p.Asp1656His; replaces aspartic acid 1656 with histidine.
Molecular consequence: missense variant. On other transcripts: non-coding transcript variant (6).
Genome position (GRCh38, 1-based): chr14:95,095,954, C>G on the plus strand (G>C on the coding strand, the complement: DICER1 is on the minus strand). VCF-style: chr14-95095954-C-G. GRCh37 (hg19) VCF-style: chr14-95562291-C-G.
Other names: c.4966G>C, p.Asp1656His (NM_001195573.1, NM_001271282.3, NM_001291628.2 and 13 more transcripts); c.4684G>C, p.Asp1562His (NM_001395686.1); c.4561G>C, p.Asp1521His (NM_001395687.1, NM_001395688.1, NM_001395689.1 and 2 more transcripts); c.4399G>C, p.Asp1467His (NM_001395691.1); c.3283G>C, p.Asp1095His (NM_001395697.1); short protein forms D1521H, D1656H, D1095H, D1467H, D1562H.
Identifiers: ClinVar variation 1744439 (VCV001744439.3), dbSNP rs748106400, ClinGen allele CA390866208.

ClinVar aggregate classification (germline): Uncertain significance (1 of 4 stars; one submission).

Conditions:
Hereditary cancer-predisposing syndrome. Also called: Hereditary Cancer Syndrome; Neoplastic Syndromes, Hereditary; Tumor predisposition; Hereditary neoplastic syndrome. Identifiers: Orphanet 140162, MedGen C0027672, MeSH D009386, MONDO:0015356.

Allele frequency attached by ClinVar (database versions not stated): TOPMed below 0.00001.

Submission:

Ambry Genetics
Classification: Uncertain significance for Hereditary cancer-predisposing syndrome. Last evaluated: 2023-05-03. Review status: criteria provided, single submitter. Criteria: Ambry Variant Classification Scheme 2023. Collection method: clinical testing. Allele origin: germline.
Comment: The p.D1656H variant (also known as c.4966G>C), located in coding exon 22 of the DICER1 gene, results from a G to C substitution at nucleotide position 4966. The aspartic acid at codon 1656 is replaced by histidine, an amino acid with similar properties. This amino acid position is not well conserved in available vertebrate species. In addition, the in silico prediction for this alteration is inconclusive. Since supporting evidence is limited at this time, the clinical significance of this alteration remains unclear.